The following is an entry in ClinVar:

ClinVar aggregate classification (germline): Uncertain significance. Review status: criteria provided, multiple submitters, no conflicts (2 of 4 stars). 2 submissions from 2 submitters: Uncertain significance (2). Last evaluated 2025-10-07.

Conditions:
Leukocyte adhesion deficiency 1 (LAD1). Also called: LEUKOCYTE ADHESION DEFICIENCY, TYPE I; LAD 1; Lymphocyte function-associated antigen 1 immunodeficiency; LFA 1 immunodeficiency. Identifiers: Orphanet 2968, Orphanet 99842, MedGen C0398738, MONDO:0007293, OMIM 116920.
Inborn genetic diseases. Identifiers: MedGen C0950123, MeSH D030342.

Allele frequency attached by ClinVar (database versions not stated): gnomAD 0.00001 and 0.00002; TOPMed 0.00002; gnomAD exomes 0.00003 and 0.00006; ExAC 0.00008; ESP Exome Variant Server 0.00008; 1000 Genomes Project 0.00020; 1000 Genomes Project 30x 0.00031.
gnomAD v4.1: 42 of 1,613,422 alleles (0.0026%); highest among the groups gnomAD compares: South Asian, 0.026%; no homozygotes.

Submissions (2):

Ambry Genetics
Classification: Uncertain significance for Inborn genetic diseases. Last evaluated: 2025-10-07. Review status: criteria provided, single submitter. Criteria: Ambry Variant Classification Scheme 2023. Collection method: clinical testing. Allele origin: germline.

Labcorp Genetics (formerly Invitae), Labcorp
Classification: Uncertain significance for Leukocyte adhesion deficiency 1. Last evaluated: 2024-08-10. Review status: criteria provided, single submitter. Criteria: Invitae Variant Classification Sherloc (09022015). Collection method: clinical testing. Allele origin: germline.
Comment: This sequence change replaces arginine, which is basic and polar, with glutamine, which is neutral and polar, at codon 498 of the ITGB2 protein (p.Arg498Gln). This variant is present in population databases (rs369318947, gnomAD 0.03%). This variant has not been reported in the literature in individuals affected with ITGB2-related conditions. ClinVar contains an entry for this variant (Variation ID: 849539). Advanced modeling of protein sequence and biophysical properties (such as structural, functional, and spatial information, amino acid conservation, physicochemical variation, residue mobility, and thermodynamic stability) has been performed at Invitae for this missense variant, however the output from this modeling did not meet the statistical confidence thresholds required to predict the impact of this variant on ITGB2 protein function. In summary, the available evidence is currently insufficient to determine the role of this variant in disease. Therefore, it has been classified as a Variant of Uncertain Significance.

NM_000211.5(ITGB2):c.1493G>A (p.Arg498Gln)

Gene: ITGB2 (integrin subunit beta 2; minus strand). Cytogenetic location: 21q22.3.
Variant type: single nucleotide variant.
Coding change: c.1493G>A on transcript NM_000211.5 (MANE Select); coding-DNA position 1493, G replaced by A.
Protein change: p.Arg498Gln; replaces arginine 498 with glutamine.
Molecular consequence: missense variant.
Genome position (GRCh38, 1-based): chr21:44,890,142, C>T on the plus strand (G>A on the coding strand, the complement: ITGB2 is on the minus strand). VCF-style: chr21-44890142-C-T. GRCh37 (hg19) VCF-style: chr21-46310057-C-T.
Other names: c.1493G>A (NM_000211.3); c.1493G>A, p.Arg498Gln (NM_001127491.3); c.1286G>A, p.Arg429Gln (NM_001303238.2); short protein forms R429Q, R498Q.
Identifiers: ClinVar variation 849539 (VCV000849539.10), dbSNP rs369318947, ClinGen allele CA10062799.